The following is an entry in ClinVar:

NM_001374736.1(DST):c.20095-1G>C

Gene: DST (dystonin; minus strand). Cytogenetic location: 6p12.1.
Variant type: single nucleotide variant.
Coding change: c.20095-1G>C on transcript NM_001374736.1 (MANE Select); the canonical splice acceptor site of the intron before coding-DNA position 20095, G replaced by C.
Molecular consequence: splice acceptor variant.
Genome position (GRCh38, 1-based): chr6:56,497,508, C>G on the plus strand (G>C on the coding strand, the complement: DST is on the minus strand). VCF-style: chr6-56497508-C-G. GRCh37 (hg19) VCF-style: chr6-56362306-C-G.
Other names: c.13738-1G>C (NM_001144769.5); c.20095-1G>C (NM_001374722.1); c.20122-1G>C (NM_001374734.1); c.13324-1G>C (NM_001144770.2); c.12877-1G>C (NM_001374730.1); c.13204-1G>C (NM_001386100.1, NM_183380.4); c.19135-1G>C (NM_001374729.1); c.12226-1G>C (NM_015548.5).
Identifiers: ClinVar variation 3757198 (VCV003757198.2).

ClinVar aggregate classification (germline): Likely pathogenic (1 of 4 stars; one submission).

Conditions:
Hereditary sensory and autonomic neuropathy type 6. Also called: HSAN VI; Neuropathy, hereditary sensory and autonomic, type VI. Identifiers: Orphanet 314381, MedGen C3539003, MONDO:0013839, OMIM 614653.
Epidermolysis bullosa simplex 3, localized or generalized intermediate, with BP230 deficiency (EBS3). Also called: Epidermolysis bullosa simplex due to BP230 deficiency; Epidermolysis bullosa simplex, autosomal recessive 2. Identifiers: Orphanet 412181, MedGen C3809470, MONDO:0014180, OMIM 615425.

Submission:

Labcorp Genetics (formerly Invitae), Labcorp
Classification: Likely pathogenic for Epidermolysis bullosa simplex 3, localized or generalized intermediate, with BP230 deficiency; Hereditary sensory and autonomic neuropathy type 6. Last evaluated: 2024-07-10. Review status: criteria provided, single submitter. Criteria: Invitae Variant Classification Sherloc (09022015). Collection method: clinical testing. Allele origin: germline.
Comment: The DST gene has multiple clinically relevant transcripts. This variant occurs in alternate transcript NM_015548.4, and corresponds to NM_001723.5:c.*118009G>C in the primary transcript. This sequence change affects an acceptor splice site in intron 62 of the DST gene. It is expected to disrupt RNA splicing. Variants that disrupt the donor or acceptor splice site typically lead to a loss of protein function (PMID: 16199547), and loss-of-function variants in DST are known to be pathogenic (PMID: 22522446, 25059916, 30371979). This variant is not present in population databases (gnomAD no frequency). This variant has not been reported in the literature in individuals affected with DST-related conditions. In summary, the currently available evidence indicates that the variant is pathogenic, but additional data are needed to prove that conclusively. Therefore, this variant has been classified as Likely Pathogenic.

Literature cited by the submitters: PubMed 16199547; PubMed 22522446; PubMed 25059916; PubMed 30371979.